The following is an entry in ClinVar:

ClinVar aggregate classification (germline): Uncertain significance. Review status: criteria provided, multiple submitters, no conflicts (2 of 4 stars). 2 submissions from 2 submitters: Uncertain significance (2). Last evaluated 2025-08-06.

Allele frequency attached by ClinVar (database versions not stated): gnomAD exomes below 0.00001; TOPMed below 0.00001; gnomAD 0.00001.
gnomAD v4.1: 4 of 1,612,432 alleles (0.00025%); highest among the groups gnomAD compares: East Asian, 0.0045%; no homozygotes.

Submissions (2):

Ambry Genetics
Classification: Uncertain significance. Last evaluated: 2025-08-06. Review status: criteria provided, single submitter. Criteria: Ambry Variant Classification Scheme 2023. Collection method: clinical testing. Allele origin: germline.

Labcorp Genetics (formerly Invitae), Labcorp
Classification: Uncertain significance. Last evaluated: 2024-01-22. Review status: criteria provided, single submitter. Criteria: Invitae Variant Classification Sherloc (09022015). Collection method: clinical testing. Allele origin: germline.
Comment: This sequence change replaces aspartic acid, which is acidic and polar, with asparagine, which is neutral and polar, at codon 852 of the RNF31 protein (p.Asp852Asn). This variant is not present in population databases (gnomAD no frequency). This variant has not been reported in the literature in individuals affected with RNF31-related conditions. ClinVar contains an entry for this variant (Variation ID: 2070232). An algorithm developed to predict the effect of missense changes on protein structure and function (PolyPhen-2) suggests that this variant is likely to be disruptive. In summary, the available evidence is currently insufficient to determine the role of this variant in disease. Therefore, it has been classified as a Variant of Uncertain Significance.

NM_017999.5(RNF31):c.2554G>A (p.Asp852Asn)

Gene: RNF31 (ring finger protein 31; plus strand). Cytogenetic location: 14q12.
Variant type: single nucleotide variant.
Coding change: c.2554G>A on transcript NM_017999.5 (MANE Select); coding-DNA position 2554, G replaced by A.
Protein change: p.Asp852Asn; replaces aspartic acid 852 with asparagine.
Molecular consequence: missense variant.
Genome position (GRCh38, 1-based): chr14:24,157,350, G>A. VCF-style: chr14-24157350-G-A. GRCh37 (hg19) VCF-style: chr14-24626559-G-A.
Other names: c.2101G>A, p.Asp701Asn (NM_001310332.2); c.2554G>A (NM_017999.4); short protein forms D701N, D852N.
Identifiers: ClinVar variation 2070232 (VCV002070232.5), dbSNP rs1485086584, ClinGen allele CA389305336.